The following is an entry in ClinVar:

ClinVar aggregate classification (germline): Uncertain significance (0 of 4 stars; one submission).

Conditions:
KIDINS220-related disorder. Also called: KIDINS220-related condition.

gnomAD v4.1: 1 of 1,613,266 alleles (0.000062%); highest among the groups gnomAD compares: African/African-American, 0.0013%; no homozygotes.

Submission:

PreventionGenetics, part of Exact Sciences
Classification: Uncertain significance for KIDINS220-related condition. Last evaluated: 2024-08-06. Review status: no assertion criteria provided. Collection method: clinical testing. Allele origin: germline.
Comment: The KIDINS220 c.2011A>G variant is predicted to result in the amino acid substitution p.Ile671Val. To our knowledge, this variant has not been reported in the literature. This variant is reported in 0.0065% of alleles in individuals of African descent in gnomAD. At this time, the clinical significance of this variant is uncertain due to the absence of conclusive functional and genetic evidence.

NM_020738.4(KIDINS220):c.2011A>G (p.Ile671Val)

Gene: KIDINS220 (kinase D interacting substrate 220; minus strand). Cytogenetic location: 2p25.1.
Variant type: single nucleotide variant.
Coding change: c.2011A>G on transcript NM_020738.4 (MANE Select); coding-DNA position 2011, A replaced by G.
Protein change: p.Ile671Val; replaces isoleucine 671 with valine.
Molecular consequence: missense variant. On other transcripts: non-coding transcript variant (2).
Genome position (GRCh38, 1-based): chr2:8,785,959, T>C on the plus strand (A>G on the coding strand, the complement: KIDINS220 is on the minus strand). VCF-style: chr2-8785959-T-C. GRCh37 (hg19) VCF-style: chr2-8926089-T-C.
Other names: c.2014A>G, p.Ile672Val (NM_001348729.2, NM_001348731.2, NM_001348734.2 and 3 more transcripts); c.2011A>G, p.Ile671Val (NM_001348732.2, NM_001348735.2, NM_001348738.2 and 3 more transcripts); c.1885A>G, p.Ile629Val (NM_001348736.2); short protein forms I629V, I671V, I672V.
Identifiers: ClinVar variation 3356154 (VCV003356154.1).